The following is an entry in ClinVar:

NM_001042492.3(NF1):c.1704A>G (p.Glu568=)

Gene: NF1 (neurofibromin 1; plus strand). Cytogenetic location: 17q11.2.
Variant type: single nucleotide variant.
Coding change: c.1704A>G on transcript NM_001042492.3 (MANE Select); coding-DNA position 1704, A replaced by G.
Protein change: p.Glu568=; no amino-acid change (glutamic acid 568 retained).
Molecular consequence: synonymous variant.
Genome position (GRCh38, 1-based): chr17:31,221,912, A>G. VCF-style: chr17-31221912-A-G. GRCh37 (hg19) VCF-style: chr17-29548930-A-G.
Other names: c.1704A>G, p.Glu568= (NM_000267.4, NM_001128147.3).
Identifiers: ClinVar variation 4615690 (VCV004615690.2).

ClinVar aggregate classification (germline): Benign/Likely benign. Review status: criteria provided, multiple submitters, no conflicts (2 of 4 stars). 2 submissions from 2 submitters: Benign (1); Likely benign (1). Last evaluated 2026-05-15.

Conditions:
Neurofibromatosis, type 1 (NF1). Also called: VON RECKLINGHAUSEN DISEASE; NEUROFIBROMATOSIS, TYPE I, SOMATIC; Peripheral type neurofibromatosis; Neurofibromatosis, type I. Identifiers: Orphanet 636, MedGen C0027831, MONDO:0018975, OMIM 162200. Disease mechanism: loss of function.
Cardiovascular phenotype. Identifiers: MedGen CN230736.
Hereditary cancer-predisposing syndrome. Also called: Neoplastic Syndromes, Hereditary; Tumor predisposition; Hereditary neoplastic syndrome; Hereditary Cancer Syndrome. Identifiers: Orphanet 140162, MedGen C0027672, MeSH D009386, MONDO:0015356.

Submissions (2):

Myriad Genetics, Inc.
Classification: Benign for Neurofibromatosis, type 1. Last evaluated: 2026-05-15. Review status: criteria provided, single submitter. Criteria: Myriad Autosomal Dominant, Autosomal Recessive and X-Linked Classification Criteria (2023). Collection method: clinical testing. Allele origin: unknown.
Comment: This variant is considered benign. This variant is a silent/synonymous amino acid change and it is not expected to impact splicing.

Ambry Genetics
Classification: Likely benign for Cardiovascular phenotype; Hereditary cancer-predisposing syndrome. Last evaluated: 2025-09-25. Review status: criteria provided, single submitter. Criteria: Ambry Variant Classification Scheme 2023. Collection method: clinical testing. Allele origin: germline.